The following is an entry in ClinVar:

NM_052965.4(TSEN15):c.346C>T (p.His116Tyr)

Gene: TSEN15 (tRNA splicing endonuclease subunit 15; plus strand). Cytogenetic location: 1q25.3.
Variant type: single nucleotide variant.
Coding change: c.346C>T on transcript NM_052965.4 (MANE Select); coding-DNA position 346, C replaced by T.
Protein change: p.His116Tyr; replaces histidine 116 with tyrosine.
Molecular consequence: missense variant. On other transcripts: non-coding transcript variant (2).
Genome position (GRCh38, 1-based): chr1:184,054,856, C>T. VCF-style: chr1-184054856-C-T. GRCh37 (hg19) VCF-style: chr1-184023990-C-T.
Other names: c.346C>T, p.His116Tyr (NM_001127394.4, NM_001300764.2, NM_001300766.2 and 1 more transcripts); short protein forms H116Y.
Identifiers: ClinVar variation 243001 (VCV000243001.3), dbSNP rs879253780, ClinGen allele CA10584049.

ClinVar aggregate classification (germline): Likely pathogenic. Review status: criteria provided, single submitter (1 of 4 stars). 2 submissions from 2 submitters: Likely pathogenic (1). 1 of the submissions does not count toward it. Last evaluated 2020-03-01.

Conditions:
Pontocerebellar hypoplasia, type 2F. Identifiers: Orphanet 2524, MedGen C4310757, MONDO:0014874, OMIM 617026.

Allele frequency attached by ClinVar (database versions not stated): TOPMed below 0.00001; gnomAD 0.00001.

Submissions (2):

Institute of Human Genetics, University of Leipzig Medical Center
Classification: Likely pathogenic for Pontocerebellar hypoplasia, type 2F. Last evaluated: 2020-03-01. Review status: criteria provided, single submitter. Criteria: ACMG Guidelines, 2015. Collection method: clinical testing. Allele origin: biparental. Inheritance: Autosomal recessive inheritance. Affected: yes.
Comment: Review of the variants reported in Reuter et al., 2017, PMID: 28097321: PS3,PM2;PM3_Supporting

OMIM
Classification: Pathogenic for PONTOCEREBELLAR HYPOPLASIA, TYPE 2F. Last evaluated: 2016-09-26. Review status: no assertion criteria provided. Collection method: literature only. Allele origin: germline. Not counted in ClinVar's aggregate classification.

Literature cited by the submitters: PubMed 27392077 (cited by OMIM).